The following is an entry in ClinVar:

ClinVar aggregate classification (germline): Uncertain significance. Review status: criteria provided, multiple submitters, no conflicts (2 of 4 stars). 7 submissions from 7 submitters: Uncertain significance (6). 1 of the submissions does not count toward it. Last evaluated 2024-10-17.

Conditions:
Inborn genetic diseases. Identifiers: MedGen C0950123, MeSH D030342.
Retinitis pigmentosa (RP). Identifiers: Orphanet 791, MedGen C0035334, MeSH D012174, MONDO:0019200, OMIM 268000. Inheritance: Autosomal dominant, autosomal recessive and X linked inheritance.
Retinitis pigmentosa 28 (RP28). Identifiers: Orphanet 791, MedGen C1419614, MONDO:0011630, OMIM 606068.

Allele frequency attached by ClinVar (database versions not stated): gnomAD exomes 0.00010; TOPMed 0.00011; ESP Exome Variant Server 0.00017.
gnomAD v4.1: 193 of 1,614,030 alleles (0.012%); highest among the groups gnomAD compares: Middle Eastern, 0.016%; no homozygotes.

Submissions (7):

Blueprint Genetics
Classification: Uncertain significance. Last evaluated: 2024-10-17. Review status: criteria provided, single submitter. Criteria: ACMG Guidelines, 2015. Collection method: clinical testing. Allele origin: germline.

Fulgent Genetics
Classification: Uncertain significance for Retinitis pigmentosa 28. Last evaluated: 2023-12-29. Review status: criteria provided, single submitter. Criteria: ACMG Guidelines, 2015. Collection method: clinical testing. Allele origin: germline.

Labcorp Genetics (formerly Invitae), Labcorp
Classification: Uncertain significance. Last evaluated: 2022-08-29. Review status: criteria provided, single submitter. Criteria: Invitae Variant Classification Sherloc (09022015). Collection method: clinical testing. Allele origin: germline.
Comment: This sequence change replaces arginine, which is basic and polar, with leucine, which is neutral and non-polar, at codon 362 of the FAM161A protein (p.Arg362Leu). This variant is present in population databases (rs200813667, gnomAD 0.02%). This variant has not been reported in the literature in individuals affected with FAM161A-related conditions. ClinVar contains an entry for this variant (Variation ID: 895729). Algorithms developed to predict the effect of missense changes on protein structure and function output the following: SIFT: "Tolerated"; PolyPhen-2: "Benign"; Align-GVGD: "Class C0". The leucine amino acid residue is found in multiple mammalian species, which suggests that this missense change does not adversely affect protein function. In summary, the available evidence is currently insufficient to determine the role of this variant in disease. Therefore, it has been classified as a Variant of Uncertain Significance.

Ambry Genetics
Classification: Uncertain significance for Inborn genetic diseases. Last evaluated: 2021-08-13. Review status: criteria provided, single submitter. Criteria: Ambry Variant Classification Scheme 2023. Collection method: clinical testing. Allele origin: germline.

Illumina Laboratory Services, Illumina
Classification: Uncertain significance for Retinitis pigmentosa. Last evaluated: 2017-04-27. Review status: criteria provided, single submitter. Criteria: ICSL Variant Classification Criteria 13 December 2019. Collection method: clinical testing. Allele origin: germline.

Breakthrough Genomics
Classification: Uncertain significance. Review status: criteria provided, single submitter. Criteria: ACMG Guidelines, 2015. Collection method: not provided. Allele origin: germline. Inheritance: Unknown mechanism. Affected: yes.

Natera, Inc.
Classification: Uncertain significance for Retinitis pigmentosa type 28. Last evaluated: 2020-08-04. Review status: no assertion criteria provided. Collection method: clinical testing. Allele origin: germline. Not counted in ClinVar's aggregate classification.

NM_001201543.2(FAM161A):c.1085G>T (p.Arg362Leu)

Gene: FAM161A (FAM161 centrosomal protein A; minus strand). Cytogenetic location: 2p15.
Variant type: single nucleotide variant.
Coding change: c.1085G>T on transcript NM_001201543.2 (MANE Select); coding-DNA position 1085, G replaced by T.
Protein change: p.Arg362Leu; replaces arginine 362 with leucine.
Molecular consequence: missense variant. On other transcripts: non-coding transcript variant (1).
Genome position (GRCh38, 1-based): chr2:61,839,919, C>A on the plus strand (G>T on the coding strand, the complement: FAM161A is on the minus strand). VCF-style: chr2-61839919-C-A. GRCh37 (hg19) VCF-style: chr2-62067054-C-A.
Other names: c.1085G>T, p.Arg362Leu (NM_032180.3); short protein forms R362L.
Identifiers: ClinVar variation 895729 (VCV000895729.11), dbSNP rs200813667, ClinGen allele CA1679217.
Genomic context (GRCh38, chr2:61,839,919, plus strand): 5'-AGGTTTCGATAGAGCTCTTCTTCTTTTAACTTGTCATTGGTAGTTGAACCATAAGTAGAT[C>A]GAGGAATGGGTCTGGCTTTAAATCGATTTGTTTTCTTTTTATACTTAAGAAAGTCTCTCA-3'
Protein context (NP_001188472.1, residues 352-372): TNRFKARPIP[Arg362Leu]STYGSTTNDK